The following is an entry in ClinVar:

ClinVar aggregate classification (germline): Likely benign (1 of 4 stars; one submission).

Allele frequency attached by ClinVar (database versions not stated): gnomAD 0.00042; TOPMed 0.00044; ESP Exome Variant Server 0.00057; ExAC 0.00060; gnomAD exomes 0.00081.
gnomAD v4.1: 1,242 of 1,614,026 alleles (0.077%); highest among the groups gnomAD compares: Non-Finnish European, 0.096%; 2 homozygotes.

Submission:

GeneDx
Classification: Likely benign. Last evaluated: 2018-08-03. Review status: criteria provided, single submitter. Criteria: GeneDx Variant Classification Process June 2021. Collection method: clinical testing. Allele origin: germline. Affected: yes.
Comment: See Variant Classification Assertion Criteria.

NM_012335.4(MYO1F):c.1096G>A (p.Val366Met)

Gene: MYO1F (myosin IF; minus strand). Cytogenetic location: 19p13.2.
Variant type: single nucleotide variant.
Coding change: c.1096G>A on transcript NM_012335.4 (MANE Select); coding-DNA position 1096, G replaced by A.
Protein change: p.Val366Met; replaces valine 366 with methionine.
Molecular consequence: missense variant.
Genome position (GRCh38, 1-based): chr19:8,550,165, C>T on the plus strand (G>A on the coding strand, the complement: MYO1F is on the minus strand). VCF-style: chr19-8550165-C-T. GRCh37 (hg19) VCF-style: chr19-8615049-C-T.
Other names: c.1084G>A, p.Val362Met (NM_001348355.2); short protein forms V362M, V366M.
Identifiers: ClinVar variation 1706813 (VCV001706813.2), dbSNP rs199584431, ClinGen allele CA9159448.